The following is an entry in ClinVar:

ClinVar aggregate classification (germline): Benign/Likely benign. Review status: criteria provided, multiple submitters, no conflicts (2 of 4 stars). 4 submissions from 4 submitters: Benign (2); Likely benign (2). Last evaluated 2026-07-01.

Conditions:
Catecholaminergic polymorphic ventricular tachycardia 1. Also called: VENTRICULAR TACHYCARDIA, STRESS-INDUCED POLYMORPHIC 1; RYR2-Related Catecholaminergic Polymorphic Ventricular Tachycardia; VENTRICULAR TACHYCARDIA, CATECHOLAMINERGIC POLYMORPHIC, 1, WITH OR WITHOUT ATRIAL DYSFUNCTION AND/OR DILATED CARDIOMYOPATHY. Identifiers: Orphanet 3286, MedGen C1631597, MONDO:0011484, OMIM 604772.

Allele frequency attached by ClinVar (database versions not stated): gnomAD 0.00002 and 0.00003; TOPMed 0.00009; gnomAD exomes 0.00022; ExAC 0.00026.
gnomAD v4.1: 63 of 1,609,328 alleles (0.0039%); highest among the groups gnomAD compares: Admixed American, 0.1%; no homozygotes.

Submissions (4):

CeGaT Center for Human Genetics Tuebingen
Classification: Likely benign. Last evaluated: 2026-07-01. Review status: criteria provided, single submitter. Criteria: CeGaT Center For Human Genetics Tuebingen Variant Classification Criteria Version 2. Collection method: clinical testing. Allele origin: germline. Affected: yes. Observed: 4 variant alleles.
Comment: RYR2: BP4, BS1

Labcorp Genetics (formerly Invitae), Labcorp
Classification: Benign for Catecholaminergic polymorphic ventricular tachycardia 1. Last evaluated: 2025-12-21. Review status: criteria provided, single submitter. Criteria: Invitae Variant Classification Sherloc (09022015). Collection method: clinical testing. Allele origin: germline.

Women's Health and Genetics/Laboratory Corporation of America, LabCorp
Classification: Benign. Last evaluated: 2022-05-21. Review status: criteria provided, single submitter. Criteria: LabCorp Variant Classification Summary - May 2015. Collection method: clinical testing. Allele origin: germline.

GeneDx
Classification: Likely benign. Last evaluated: 2018-02-19. Review status: criteria provided, single submitter. Criteria: GeneDx Variant Classification (06012015). Collection method: clinical testing. Allele origin: germline. Affected: yes.
Comment: This variant is considered likely benign or benign based on one or more of the following criteria: it is a conservative change, it occurs at a poorly conserved position in the protein, it is predicted to be benign by multiple in silico algorithms, and/or has population frequency not consistent with disease.

NM_001035.3(RYR2):c.463+7A>G

Gene: RYR2 (ryanodine receptor 2; plus strand). Cytogenetic location: 1q43.
Variant type: single nucleotide variant.
Coding change: c.463+7A>G on transcript NM_001035.3 (MANE Select); 7 bases into the intron after coding-DNA position 463, A replaced by G.
Molecular consequence: intron variant.
Genome position (GRCh38, 1-based): chr1:237,374,802, A>G. VCF-style: chr1-237374802-A-G. GRCh37 (hg19) VCF-style: chr1-237538102-A-G.
Other names: c.463+7A>G (LRG_402t1).
Identifiers: ClinVar variation 515596 (VCV000515596.17), dbSNP rs755850445, ClinGen allele CA086669.